The following is an entry in ClinVar:

ClinVar aggregate classification (germline): Uncertain significance (1 of 4 stars; one submission).

Submission:

Labcorp Genetics (formerly Invitae), Labcorp
Classification: Uncertain significance. Last evaluated: 2025-04-01. Review status: criteria provided, single submitter. Criteria: Invitae Variant Classification Sherloc (09022015). Collection method: clinical testing. Allele origin: germline.
Comment: This sequence change replaces proline, which is neutral and non-polar, with leucine, which is neutral and non-polar, at codon 427 of the PRDM13 protein (p.Pro427Leu). This variant is not present in population databases (gnomAD no frequency). This variant has not been reported in the literature in individuals affected with PRDM13-related conditions. An algorithm developed to predict the effect of missense changes on protein structure and function (PolyPhen-2) suggests that this variant is likely to be tolerated. In summary, the available evidence is currently insufficient to determine the role of this variant in disease. Therefore, it has been classified as a Variant of Uncertain Significance.

NM_021620.4(PRDM13):c.1280C>T (p.Pro427Leu)

Gene: PRDM13 (PR/SET domain 13; plus strand). Cytogenetic location: 6q16.2.
Variant type: single nucleotide variant.
Coding change: c.1280C>T on transcript NM_021620.4 (MANE Select); coding-DNA position 1280, C replaced by T.
Protein change: p.Pro427Leu; replaces proline 427 with leucine.
Molecular consequence: missense variant.
Genome position (GRCh38, 1-based): chr6:99,613,915, C>T. VCF-style: chr6-99613915-C-T. GRCh37 (hg19) VCF-style: chr6-100061791-C-T.
Other names: short protein forms P427L.
Identifiers: ClinVar variation 4710477 (VCV004710477.1).